The following is an entry in ClinVar:

ClinVar aggregate classification (germline): Uncertain significance (1 of 4 stars; one submission).

Submission:

Women's Health and Genetics/Laboratory Corporation of America, LabCorp
Classification: Uncertain significance. Last evaluated: 2024-10-17. Review status: criteria provided, single submitter. Criteria: LabCorp Variant Classification Summary - May 2015. Collection method: clinical testing. Allele origin: germline.
Comment: Variant summary: SCN1A c.4220G>C (p.Arg1407Pro) results in a non-conservative amino acid change located in the Ion transport domain (IPR005821) of the encoded protein sequence. Four of five in-silico tools predict a damaging effect of the variant on protein function. The frequency data for this variant in gnomAD is considered unreliable, as metrics indicate poor data quality at this position. To our knowledge, no occurrence of c.4220G>C in individuals affected with SCN1A-Related Seizure Disorder and no experimental evidence demonstrating its impact on protein function have been reported. No submitters have cited clinical-significance assessments for this variant to ClinVar. Based on the evidence outlined above, the variant was classified as uncertain significance.

NM_001165963.4(SCN1A):c.4220G>C (p.Arg1407Pro)

Genes: SCN1A (sodium voltage-gated channel alpha subunit 1; minus strand), LOC102724058 (uncharacterized LOC102724058; plus strand). Cytogenetic location: 2q24.3.
Variant type: single nucleotide variant.
Coding change: c.4220G>C on transcript NM_001165963.4 (MANE Select); coding-DNA position 4220, G replaced by C.
Protein change: p.Arg1407Pro; replaces arginine 1407 with proline.
Molecular consequence: missense variant. On other transcripts: non-coding transcript variant (1).
Genome position (GRCh38, 1-based): chr2:166,002,536, C>G on the plus strand (G>C on the coding strand, the complement: SCN1A is on the minus strand). VCF-style: chr2-166002536-C-G. GRCh37 (hg19) VCF-style: chr2-166859046-C-G.
Other names: c.4136G>C, p.Arg1379Pro (NM_001165964.3, NM_001353957.2, NM_001353958.2); c.4220G>C, p.Arg1407Pro (NM_001202435.3, NM_001353948.2); c.4187G>C, p.Arg1396Pro (NM_001353949.2, NM_001353950.2, NM_001353951.2 and 2 more transcripts); c.4184G>C, p.Arg1395Pro (NM_001353954.2, NM_001353955.2); c.4133G>C, p.Arg1378Pro (NM_001353960.2); c.1778G>C, p.Arg593Pro (NM_001353961.2); short protein forms R1378P, R1379P, R1395P, R1396P, R1407P, R593P.
Identifiers: ClinVar variation 3385241 (VCV003385241.1).